The following is an entry in ClinVar:

ClinVar aggregate classification (germline): Pathogenic. Review status: reviewed by expert panel (3 of 4 stars). 17 submissions from 17 submitters: Pathogenic (1). 16 of the submissions do not count toward it. Last evaluated 2024-02-20.

Conditions:
RPE65-related recessive retinopathy. Also called: Recessive RPE65 retinopathy. Identifiers: MedGen CN305526, MONDO:0100368.
Retinitis pigmentosa 87 with choroidal involvement. Identifiers: MedGen C5231465, MONDO:0032873, OMIM 618697.
Leber congenital amaurosis 2 (LCA2). Also called: Autosomal Recessive RPE65-Related Retinal Degeneration; AMAUROSIS CONGENITA OF LEBER II. Identifiers: Orphanet 65, MedGen C1859844, MONDO:0008765, OMIM 204100. Disease mechanism: loss of function.
Retinitis pigmentosa 20 (RP20). Identifiers: Orphanet 791, MedGen C3151086, MONDO:0013425, OMIM 613794.
RPE65-related disorder. Also called: RPE65-related condition; RPE65-related disorders. Identifiers: MedGen CN239301.
Inborn genetic diseases. Identifiers: MedGen C0950123, MeSH D030342.
Retinal dystrophy. Also called: Inherited retinal dystrophy. Identifiers: Orphanet 71862, MedGen C0854723, MeSH D058499, MONDO:0019118, HP:0000556.
Leber congenital amaurosis (LCA). Also called: Leber's amaurosis. Identifiers: Orphanet 65, MedGen C0339527, MeSH D057130, MONDO:0018998.
Retinal disorder. Also called: Retinal disorders; Retinopathies; Retinal Diseases; Retinopathy. Identifiers: MedGen C0035309, MONDO:0005283, HP:0000488.

Allele frequency attached by ClinVar (database versions not stated): TOPMed 0.00010; gnomAD 0.00011 and 0.00013; 1000 Genomes Project 30x 0.00016; 1000 Genomes Project 0.00020.
gnomAD v4.1: 44 of 1,613,918 alleles (0.0027%); highest among the groups gnomAD compares: African/African-American, 0.031%; no homozygotes.

Submissions 1 to 11 of 17:

ClinGen Leber Congenital Amaurosis/early Onset Retinal Dystrophy Variant Curation Expert Panel, ClinGen
Classification: Pathogenic for RPE65-related recessive retinopathy. Last evaluated: 2024-02-20. Review status: reviewed by expert panel. Criteria: ClinGen LCAeoRD ACMG Specifications RPE65 V1.0.0. Collection method: curation. Allele origin: germline. Inheritance: Autosomal recessive inheritance.
Comment: NM_000329.3(RPE65):c.370C>T (p.Arg124Ter) is a nonsense variant that introduces a premature stop codon into exon 5 of 14, and is predicted to lead to nonsense-mediated decay in a gene in which loss-of-function is an established mechanism of disease (PVS1). This variant is present in gnomAD v.2.1.1 at a GrpMax allele frequency of 0.00002191, with 9 alleles / 24480 total alleles in the African/African-American population, which is lower than the ClinGen LCA / eoRD VCEP PM2_Supporting threshold of <0.0002 (PM2_Supporting). This variant has been reported in at least 1 proband with early-onset severe retinal dystrophy who was homozygous for the variant (0.5 pts, PMID: 35129589, PM3_Supporting). In summary, this variant meets the criteria to be classified as pathogenic for RPE65-related recessive retinopathy based on the ACMG/AMP criteria applied, as specified by the ClinGen LCA / eoRD VCEP: PVS1, PM2_Supporting, PM3_Supporting. (VCEP specifications version 1.0.0; date of approval 09/21/2023).

Genetics Laboratory, Great Ormond Street Hospital NHS Foundation Trust, North Thames Genomic Laboratory Hub
Classification: Pathogenic for Retinal disorders. Last evaluated: 2026-07-29. Review status: criteria provided, single submitter. Criteria: ACGS Best Practice Guidelines for Variant Classification in Rare Disease 2024 v1.2. Collection method: clinical testing. Allele origin: germline. Affected: yes. Not counted in ClinVar's aggregate classification.
Comment: PM2_moderate, PVS1_very-strong, PM3_moderate

PreventionGenetics, part of Exact Sciences
Classification: Pathogenic for RPE65-related condition. Last evaluated: 2026-04-16. Review status: criteria provided, single submitter. Criteria: ACMG Guidelines, 2015. Collection method: clinical testing. Allele origin: germline. Not counted in ClinVar's aggregate classification.
Comment: The RPE65 c.370C>T variant is predicted to result in premature protein termination (p.Arg124*). This variant has been reported in individuals with Leber congenital amaurosis or inherited retinal disease (see for example: Morimura et al. 1998. PubMed ID: 9501220; Maguire et al. 2009. PubMed ID: 19854499; Ripamonti et al. 2014. PubMed ID: 25257057). This variant is reported in 0.037% of alleles in individuals of African descent in gnomAD. Nonsense variants in RPE65 are expected to be pathogenic. This variant is interpreted as pathogenic.

Natera, Inc.
Classification: Pathogenic for Leber congenital amaurosis. Last evaluated: 2025-10-04. Review status: criteria provided, single submitter. Criteria: Natera Variant Classification Schema (03/2026). Collection method: clinical testing. Allele origin: germline. Not counted in ClinVar's aggregate classification.
Comment: The c.370C>T variant in RPE65 is a nonsense variant predicted to introduce a stop codon at amino acid 124. This variant is expected to result in nonsense mediated decay, truncation, or a dysfunctional protein product. This variant is rare in the general population with a frequency below the threshold expected for the associated phenotype(s). This variant has been observed in one or more individuals affected with the associated recessive disease, as either homozygous or compound heterozygous with a second variant (PMID: 31736247, 30996589). Given the available evidence, this variant is classified as Pathogenic.

Labcorp Genetics (formerly Invitae), Labcorp
Classification: Pathogenic for Leber congenital amaurosis 2; Retinitis pigmentosa 20. Last evaluated: 2025-08-21. Review status: criteria provided, single submitter. Criteria: Invitae Variant Classification Sherloc (09022015). Collection method: clinical testing. Allele origin: germline. Not counted in ClinVar's aggregate classification.
Comment: This sequence change creates a premature translational stop signal (p.Arg124*) in the RPE65 gene. It is expected to result in an absent or disrupted protein product. Loss-of-function variants in RPE65 are known to be pathogenic (PMID: 9326941, 9501220, 9843205, 18632300). This variant is present in population databases (rs61752877, gnomAD 0.04%). This premature translational stop signal has been observed in individual(s) with autosomal recessive Leber congenital amaurosis (PMID: 9501220, 19854499, 20683928). ClinVar contains an entry for this variant (Variation ID: 98866). Algorithms developed to predict the effect of sequence changes on RNA splicing suggest that this variant may disrupt the consensus splice site. For these reasons, this variant has been classified as Pathogenic.

3billion
Classification: Pathogenic for RPE65-related disorder. Last evaluated: 2025-03-18. Review status: criteria provided, single submitter. Criteria: ACMG Guidelines, 2015. Collection method: clinical testing. Allele origin: germline. Affected: yes. Not counted in ClinVar's aggregate classification.
Comment: The variant is observed at an extremely low frequency in the gnomAD v4.1.0 dataset (total allele frequency: 0.003%). Predicted Consequence/Location: Stop-gained (nonsense): predicted to result in a loss or disruption of normal protein function through nonsense-mediated decay (NMD) or protein truncation. Multiple pathogenic variants are reported downstream of the variant. The variant was homozygous. The variant has been reported multiple times as an established pathogenic variant (ClinVar ID: VCV000098866 / PMID: 30025081, 32347917, 34830511, 35129589, 9501220). Therefore, this variant is classified as Pathogenic according to the recommendation of ACMG/AMP guideline.

Fulgent Genetics
Classification: Pathogenic for Leber congenital amaurosis 2; Retinitis pigmentosa 20; Retinitis pigmentosa 87 with choroidal involvement. Last evaluated: 2024-05-23. Review status: criteria provided, single submitter. Criteria: ACMG Guidelines, 2015. Collection method: clinical testing. Allele origin: germline. Not counted in ClinVar's aggregate classification.

GeneDx
Classification: Pathogenic. Last evaluated: 2024-05-16. Review status: criteria provided, single submitter. Criteria: GeneDx Variant Classification Process June 2021. Collection method: clinical testing. Allele origin: germline. Affected: yes. Not counted in ClinVar's aggregate classification.
Comment: Nonsense variant predicted to result in protein truncation or nonsense mediated decay in a gene for which loss of function is a known mechanism of disease; This variant is associated with the following publications: (PMID: 25525159, 20079931, 28237426, 28945494, 20683928, 25257057, 15691574, 11095629, 19854499, 9501220, 29332120, 30268864, 28559085, 30608580, 31736247, 31630094, 30996589, 32865313, 33576794, 34492281, 35836572, 34830511, 18632300, 35129589, 36460718, 31964843, 31213501, 30025081, 35835501, 28005406)

Baylor Genetics
Classification: Pathogenic for Leber congenital amaurosis 2. Last evaluated: 2024-03-22. Review status: criteria provided, single submitter. Criteria: ACMG Guidelines, 2015. Collection method: clinical testing. Allele origin: unknown. Not counted in ClinVar's aggregate classification.

Dept Of Ophthalmology, Nagoya University
Classification: Pathogenic for Retinal dystrophy. Last evaluated: 2023-10-01. Review status: criteria provided, single submitter. Criteria: Submitter's publication. Collection method: research. Allele origin: germline. Affected: yes. Not counted in ClinVar's aggregate classification.

Blueprint Genetics
Classification: Pathogenic for RPE65-related disorders. Last evaluated: 2023-06-21. Review status: criteria provided, single submitter. Criteria: ACMG Guidelines, 2015. Collection method: clinical testing. Allele origin: germline. Affected: yes. Observed: 5 variant alleles. Not counted in ClinVar's aggregate classification.

NM_000329.3(RPE65):c.370C>T (p.Arg124Ter)

Gene: RPE65 (retinoid isomerohydrolase RPE65; minus strand). Cytogenetic location: 1p31.3.
Variant type: single nucleotide variant.
Coding change: c.370C>T on transcript NM_000329.3 (MANE Select); coding-DNA position 370, C replaced by T.
Protein change: p.Arg124Ter; replaces arginine 124 with a stop codon.
Molecular consequence: nonsense.
Genome position (GRCh38, 1-based): chr1:68,444,656, G>A on the plus strand (C>T on the coding strand, the complement: RPE65 is on the minus strand). VCF-style: chr1-68444656-G-A. GRCh37 (hg19) VCF-style: chr1-68910339-G-A.
Other names: NM_000329.3(RPE65):c.370C>T; p.Arg124Ter; short protein forms R124*.
Identifiers: ClinVar variation 98866 (VCV000098866.32), dbSNP rs61752877, ClinGen allele CA226545.